The following is an entry in ClinVar:

NM_001376.5(DYNC1H1):c.7565C>T (p.Thr2522Met)

Gene: DYNC1H1 (dynein cytoplasmic 1 heavy chain 1; plus strand). Cytogenetic location: 14q32.31.
Variant type: single nucleotide variant.
Coding change: c.7565C>T on transcript NM_001376.5 (MANE Select); coding-DNA position 7565, C replaced by T.
Protein change: p.Thr2522Met; replaces threonine 2522 with methionine.
Molecular consequence: missense variant.
Genome position (GRCh38, 1-based): chr14:102,016,440, C>T. VCF-style: chr14-102016440-C-T. GRCh37 (hg19) VCF-style: chr14-102482777-C-T.
Other names: short protein forms T2522M.
Identifiers: ClinVar variation 429235 (VCV000429235.13), dbSNP rs528647293, ClinGen allele CA7352839.

ClinVar aggregate classification (germline): Conflicting classifications of pathogenicity. Review status: criteria provided, conflicting classifications (1 of 4 stars). 3 submissions from 3 submitters: Uncertain significance (2); Likely benign (1). Last evaluated 2026-04-08.

Conditions:
Inborn genetic diseases. Identifiers: MedGen C0950123, MeSH D030342.
Charcot-Marie-Tooth disease axonal type 2O. Also called: CHARCOT-MARIE-TOOTH NEUROPATHY, AXONAL, TYPE 2O; CHARCOT-MARIE-TOOTH DISEASE, AXONAL, AUTOSOMAL DOMINANT, TYPE 2O; Charcot-Marie-Tooth disease, axonal, type 20; Charcot-Marie-Tooth Neuropathy Type 2O. Identifiers: Orphanet 284232, MedGen C3280220, MONDO:0013644, OMIM 614228.

Allele frequency attached by ClinVar (database versions not stated): gnomAD 0.00002 and 0.00001; 1000 Genomes Project 30x 0.00016; gnomAD exomes 0.00001 and below 0.00001; TOPMed 0.00003; ExAC 0.00002; 1000 Genomes Project 0.00020.
gnomAD v4.1: 9 of 1,614,114 alleles (0.00056%); highest among the groups gnomAD compares: Non-Finnish European, 0.00068%; no homozygotes.

Submissions (3):

Ambry Genetics
Classification: Uncertain significance for Inborn genetic diseases. Last evaluated: 2026-04-08. Review status: criteria provided, single submitter. Criteria: Ambry Variant Classification Scheme 2023. Collection method: clinical testing. Allele origin: germline.
Comment: The c.7565C>T (p.T2522M) alteration is located in exon 37 (coding exon 37) of the DYNC1H1 gene. This alteration results from a C to T substitution at nucleotide position 7565, causing the threonine (T) at amino acid position 2522 to be replaced by a methionine (M). Based on data from gnomAD, the T allele has an overall frequency of 0.001% (2/251484) total alleles studied. The highest observed frequency was 0.003% (1/34592) of Latino alleles. Based on insufficient or conflicting evidence, the clinical significance of this alteration remains unclear.

Labcorp Genetics (formerly Invitae), Labcorp
Classification: Likely benign for Charcot-Marie-Tooth disease axonal type 2O. Last evaluated: 2025-05-26. Review status: criteria provided, single submitter. Criteria: Invitae Variant Classification Sherloc (09022015). Collection method: clinical testing. Allele origin: germline.

GeneDx
Classification: Uncertain significance. Last evaluated: 2020-12-14. Review status: criteria provided, single submitter. Criteria: GeneDx Variant Classification (06012015). Collection method: clinical testing. Allele origin: germline. Affected: yes.
Comment: In silico analysis supports that this missense variant has a deleterious effect on protein structure/function Has not been previously published as pathogenic or benign to our knowledge